The following is an entry in ClinVar:

NM_001323289.2(CDKL5):c.1328A>T (p.Asn443Ile)

Gene: CDKL5 (cyclin dependent kinase like 5; plus strand). Cytogenetic location: Xp22.13.
Variant type: single nucleotide variant.
Coding change: c.1328A>T on transcript NM_001323289.2 (MANE Select); coding-DNA position 1328, A replaced by T.
Protein change: p.Asn443Ile; replaces asparagine 443 with isoleucine.
Molecular consequence: missense variant.
Genome position (GRCh38, 1-based): chrX:18,604,252, A>T. VCF-style: chrX-18604252-A-T. GRCh37 (hg19) VCF-style: chrX-18622372-A-T.
Other names: c.1328A>T, p.Asn443Ile (NM_001037343.2, NM_003159.3); short protein forms N443I.
Identifiers: ClinVar variation 2953179 (VCV002953179.3), dbSNP rs767464855, ClinGen allele CA412360451.

ClinVar aggregate classification (germline): Uncertain significance (1 of 4 stars; one submission).

Conditions:
Developmental and epileptic encephalopathy, 2 (DEE2). Also called: INFANTILE SPASM SYNDROME, X-LINKED 2; CDKL5 deficiency disorder. Identifiers: Orphanet 1934, Orphanet 3451, Orphanet 505652, MedGen C4750718, MONDO:0010396, OMIM 300672.
Angelman syndrome-like. Identifiers: MedGen CN128785.

Submission:

Labcorp Genetics (formerly Invitae), Labcorp
Classification: Uncertain significance for Developmental and epileptic encephalopathy, 2; Angelman syndrome-like. Last evaluated: 2023-10-22. Review status: criteria provided, single submitter. Criteria: Invitae Variant Classification Sherloc (09022015). Collection method: clinical testing. Allele origin: germline.
Comment: This sequence change replaces asparagine, which is neutral and polar, with isoleucine, which is neutral and non-polar, at codon 443 of the CDKL5 protein (p.Asn443Ile). This variant is not present in population databases (gnomAD no frequency). This variant has not been reported in the literature in individuals affected with CDKL5-related conditions. Advanced modeling of protein sequence and biophysical properties (such as structural, functional, and spatial information, amino acid conservation, physicochemical variation, residue mobility, and thermodynamic stability) performed at Invitae indicates that this missense variant is not expected to disrupt CDKL5 protein function. In summary, the available evidence is currently insufficient to determine the role of this variant in disease. Therefore, it has been classified as a Variant of Uncertain Significance.